The following is an entry in ClinVar:

NM_000245.4(MET):c.875T>G (p.Met292Arg)

Gene: MET (MET proto-oncogene, receptor tyrosine kinase; plus strand). Cytogenetic location: 7q31.2.
Variant type: single nucleotide variant.
Coding change: c.875T>G on transcript NM_000245.4 (MANE Select); coding-DNA position 875, T replaced by G.
Protein change: p.Met292Arg; replaces methionine 292 with arginine.
Molecular consequence: missense variant. On other transcripts: intron variant (1).
Genome position (GRCh38, 1-based): chr7:116,699,959, T>G. VCF-style: chr7-116699959-T-G. GRCh37 (hg19) VCF-style: chr7-116340013-T-G.
Other names: c.875T>G, p.Met292Arg (NM_001127500.3, NM_001324401.3); c.-91+27382T>G (NM_001324402.2); short protein forms M292R.
Identifiers: ClinVar variation 2859715 (VCV002859715.4), dbSNP rs2485513973, ClinGen allele CA368970046.

ClinVar aggregate classification (germline): Uncertain significance. Review status: criteria provided, multiple submitters, no conflicts (2 of 4 stars). 2 submissions from 2 submitters: Uncertain significance (2). Last evaluated 2025-08-01.

Conditions:
Hereditary cancer-predisposing syndrome. Also called: Neoplastic Syndromes, Hereditary; Hereditary neoplastic syndrome; Tumor predisposition; Hereditary Cancer Syndrome. Identifiers: Orphanet 140162, MedGen C0027672, MeSH D009386, MONDO:0015356.
Renal cell carcinoma. Identifiers: Orphanet 217071, MedGen C0007134, MeSH D002292, MONDO:0005086, HP:0005584.

Submissions (2):

Ambry Genetics
Classification: Uncertain significance for Hereditary cancer-predisposing syndrome. Last evaluated: 2025-08-01. Review status: criteria provided, single submitter. Criteria: Ambry Variant Classification Scheme 2023. Collection method: clinical testing. Allele origin: germline.
Comment: The p.M292R variant (also known as c.875T>G), located in coding exon 1 of the MET gene, results from a T to G substitution at nucleotide position 875. The methionine at codon 292 is replaced by arginine, an amino acid with similar properties. This amino acid position is conserved. In addition, the in silico prediction for this alteration is inconclusive. Based on the available evidence, the clinical significance of this variant remains unclear.

Labcorp Genetics (formerly Invitae), Labcorp
Classification: Uncertain significance for Renal cell carcinoma. Last evaluated: 2023-04-27. Review status: criteria provided, single submitter. Criteria: Invitae Variant Classification Sherloc (09022015). Collection method: clinical testing. Allele origin: germline.
Comment: Advanced modeling of protein sequence and biophysical properties (such as structural, functional, and spatial information, amino acid conservation, physicochemical variation, residue mobility, and thermodynamic stability) performed at Invitae indicates that this missense variant is not expected to disrupt MET protein function. In summary, the available evidence is currently insufficient to determine the role of this variant in disease. Therefore, it has been classified as a Variant of Uncertain Significance. This variant has not been reported in the literature in individuals affected with MET-related conditions. This variant is not present in population databases (gnomAD no frequency). This sequence change replaces methionine, which is neutral and non-polar, with arginine, which is basic and polar, at codon 292 of the MET protein (p.Met292Arg).